The following is an entry in ClinVar:

ClinVar aggregate classification (germline): Benign (1 of 4 stars; one submission).

Allele frequency attached by ClinVar (database versions not stated): 1000 Genomes Project 0.55351; 1000 Genomes Project 30x 0.55575; TOPMed 0.56146; gnomAD 0.57159.
gnomAD v4.1: 85,101 of 151,356 alleles (56%); highest among the groups gnomAD compares: African/African-American, 78%; 25,458 homozygotes.

Submission:

GeneDx
Classification: Benign. Last evaluated: 2018-06-18. Review status: criteria provided, single submitter. Criteria: GeneDx Variant Classification (06012015). Collection method: clinical testing. Allele origin: germline. Affected: yes.
Comment: This variant is considered likely benign or benign based on one or more of the following criteria: it is a conservative change, it occurs at a poorly conserved position in the protein, it is predicted to be benign by multiple in silico algorithms, and/or has population frequency not consistent with disease.

NM_001330078.2(NRXN1):c.2498-300G>C

Gene: NRXN1 (neurexin 1; minus strand). Cytogenetic location: 2p16.3.
Variant type: single nucleotide variant.
Coding change: c.2498-300G>C on transcript NM_001330078.2 (MANE Select); 300 bases into the intron before coding-DNA position 2498, G replaced by C.
Molecular consequence: intron variant.
Genome position (GRCh38, 1-based): chr2:50,498,014, C>G on the plus strand (G>C on the coding strand, the complement: NRXN1 is on the minus strand). VCF-style: chr2-50498014-C-G. GRCh37 (hg19) VCF-style: chr2-50725152-C-G.
Other names: c.2387-300G>C (NM_001330096.2, NM_001330087.2); c.2432-300G>C (NM_001330083.2, NM_001330084.2); c.2417-300G>C (NM_001330088.2); c.2495-300G>C (NM_001330093.2); c.2486-300G>C (NM_001330094.2); c.2447-300G>C (NM_001330095.2); c.2474-300G>C (NM_001330082.2, NM_001330077.2); c.2471-300G>C (NM_001330085.2); and 2 more.
Identifiers: ClinVar variation 667535 (VCV000667535.1), dbSNP rs13001103, ClinGen allele CA11012644.